The following is an entry in ClinVar:

NM_001267550.2(TTN):c.92169del (p.Gly30724fs)

Genes: TTN (titin; minus strand), TTN-AS1 (TTN antisense RNA 1; plus strand). Cytogenetic location: 2q31.2.
Variant type: Deletion.
Coding change: c.92169del on transcript NM_001267550.2 (MANE Select); coding-DNA position 92169, one base deleted (T; older notation c.92169delT).
Protein change: p.Gly30724fs; shifts the reading frame from glycine 30724.
Molecular consequence: frameshift variant.
Genome position (GRCh38, 1-based): chr2:178,549,457, A deleted on the plus strand (T on the coding strand, the reverse complement: TTN is on the minus strand). VCF-style (leftmost placement, unchanged base first): chr2-178549456-CA-C. GRCh37 (hg19) VCF-style: chr2-179414183-CA-C.
Other names: c.87246del, p.Gly29083fs (NM_001256850.1); c.64974del, p.Gly21659fs (NM_003319.4); c.84465del, p.Gly28156fs (NM_133378.4); c.65349del, p.Gly21784fs (NM_133432.3); c.65550del, p.Gly21851fs (NM_133437.4); short protein forms G21659fs, G21784fs, G29083fs, G21851fs, G28156fs, G30724fs.
Identifiers: ClinVar variation 2013823 (VCV002013823.4), dbSNP rs2469162607, ClinGen allele CA2580064683.
Genomic context (GRCh38, chr2:178,549,456, plus strand): 5'-CTGGCCTTGCCCATGTCAGGGTAATGCTGTTGCCTGTTATGTTGCTAGGTTCTGGAATGC[CA>C]GGGGCATCAGGAACAGCTGTAAAACAAAAACAAAACCCCAAATCAATTAGATGCATTTGC-3'

ClinVar aggregate classification (germline): Likely pathogenic (1 of 4 stars; one submission).

Conditions:
Autosomal recessive limb-girdle muscular dystrophy type 2J (LGMDR10). Also called: Limb-girdle muscular dystrophy, type 2J; MUSCULAR DYSTROPHY, LIMB-GIRDLE, AUTOSOMAL RECESSIVE 10. Identifiers: Orphanet 140922, MedGen C1837342, MONDO:0012127, OMIM 608807.
Dilated cardiomyopathy 1G (CMD1G). Identifiers: Orphanet 154, MedGen C1858763, MONDO:0011400, OMIM 604145.

Submission:

Labcorp Genetics (formerly Invitae), Labcorp
Classification: Likely pathogenic for Dilated cardiomyopathy 1G; Autosomal recessive limb-girdle muscular dystrophy type 2J. Last evaluated: 2022-07-03. Review status: criteria provided, single submitter. Criteria: Invitae Variant Classification Sherloc (09022015). Collection method: clinical testing. Allele origin: germline.
Comment: This variant is not present in population databases (gnomAD no frequency). This variant has not been reported in the literature in individuals affected with TTN-related conditions. This sequence change creates a premature translational stop signal (p.Gly30724Alafs*8) in the TTN gene. While this is not anticipated to result in nonsense mediated decay, it is expected to create a truncated TTN protein. In summary, the currently available evidence indicates that the variant is pathogenic, but additional data are needed to prove that conclusively. Therefore, this variant has been classified as Likely Pathogenic. This variant is located in the A band of TTN (PMID: 25589632). Truncating variants in this region are significantly overrepresented in patients affected with dilated cardiomyopathy (PMID: 25589632). Truncating variants in this region have also been reported in individuals affected with autosomal recessive centronuclear myopathy (PMID: 23975875).

Literature cited by the submitters: PubMed 25589632; PubMed 23975875.